The following is an entry in ClinVar:

ClinVar aggregate classification (germline): Likely pathogenic (1 of 4 stars; one submission).

Conditions:
Nemaline myopathy 2 (NEM2). Also called: Nemaline myopathy 2, autosomal recessive. Identifiers: MedGen C1850569, MONDO:0009725, OMIM 256030.

Submission:

Labcorp Genetics (formerly Invitae), Labcorp
Classification: Likely pathogenic for Nemaline myopathy 2. Last evaluated: 2022-04-13. Review status: criteria provided, single submitter. Criteria: Invitae Variant Classification Sherloc (09022015). Collection method: clinical testing. Allele origin: germline.
Comment: This variant has not been reported in the literature in individuals affected with NEB-related conditions. In summary, the currently available evidence indicates that the variant is pathogenic, but additional data are needed to prove that conclusively. Therefore, this variant has been classified as Likely Pathogenic. Algorithms developed to predict the effect of sequence changes on RNA splicing suggest that this variant may disrupt the consensus splice site. This variant is not present in population databases (gnomAD no frequency). This sequence change affects an acceptor splice site in intron 140 of the NEB gene. It is expected to disrupt RNA splicing. Variants that disrupt the donor or acceptor splice site typically lead to a loss of protein function (PMID: 16199547), and loss-of-function variants in NEB are known to be pathogenic (PMID: 25205138).

Literature cited by the submitters: PubMed 16199547; PubMed 25205138.

NM_001164508.2(NEB):c.21103-1G>C

Gene: NEB (nebulin; minus strand). Cytogenetic location: 2q23.3.
Variant type: single nucleotide variant.
Coding change: c.21103-1G>C on transcript NM_001164508.2 (MANE Select); the canonical splice acceptor site of the intron before coding-DNA position 21103, G replaced by C.
Molecular consequence: splice acceptor variant.
Genome position (GRCh38, 1-based): chr2:151,537,237, C>G on the plus strand (G>C on the coding strand, the complement: NEB is on the minus strand). VCF-style: chr2-151537237-C-G. GRCh37 (hg19) VCF-style: chr2-152393751-C-G.
Other names: c.16000-1G>C (NM_004543.5); c.21103-1G>C (NM_001164507.2, NM_001271208.2).
Identifiers: ClinVar variation 2121794 (VCV002121794.4), dbSNP rs2552149566, ClinGen allele CA348775498.